The following is an entry in ClinVar:

NM_005477.3(HCN4):c.3487C>A (p.Pro1163Thr)

Gene: HCN4 (hyperpolarization activated cyclic nucleotide gated potassium channel 4; minus strand). Cytogenetic location: 15q24.1.
Variant type: single nucleotide variant.
Coding change: c.3487C>A on transcript NM_005477.3 (MANE Select); coding-DNA position 3487, C replaced by A.
Protein change: p.Pro1163Thr; replaces proline 1163 with threonine.
Molecular consequence: missense variant.
Genome position (GRCh38, 1-based): chr15:73,322,606, G>T on the plus strand (C>A on the coding strand, the complement: HCN4 is on the minus strand). VCF-style: chr15-73322606-G-T. GRCh37 (hg19) VCF-style: chr15-73614947-G-T.
Other names: short protein forms P1163T.
Identifiers: ClinVar variation 519345 (VCV000519345.13), dbSNP rs779811451, ClinGen allele CA7648817.
Genomic context (GRCh38, chr15:73,322,606, plus strand): 5'-CAGCAGTCAGAGGGGGCCCCCCAGAAGAGGTGGCTCTTGCCCCAAACAAAGACAGAGGGG[G>T]TGGCAAAGAACCTGAGGATGTCTTCCGAGGCAGAGTGACGTGCTGGCCGGGGATGGCACC-3'
Protein context (NP_005468.1, residues 1153-1173): PRKTSSGSLP[Pro1163Thr]PLSLFGARAT

ClinVar aggregate classification (germline): Uncertain significance. Review status: criteria provided, multiple submitters, no conflicts (2 of 4 stars). 3 submissions from 3 submitters: Uncertain significance (3). Last evaluated 2026-01-11.

Conditions:
Cardiovascular phenotype. Identifiers: MedGen CN230736.
Brugada syndrome 8 (BRGDA8). Identifiers: Orphanet 130, MedGen C2751083, MONDO:0013148, OMIM 613123.

Allele frequency attached by ClinVar (database versions not stated): gnomAD exomes 0.00001; ExAC 0.00002; TOPMed 0.00002.
gnomAD v4.1: 10 of 1,611,746 alleles (0.00062%); highest among the groups gnomAD compares: East Asian, 0.0089%; no homozygotes.

Submissions (3):

Labcorp Genetics (formerly Invitae), Labcorp
Classification: Uncertain significance for Brugada syndrome 8. Last evaluated: 2026-01-11. Review status: criteria provided, single submitter. Criteria: Invitae Variant Classification Sherloc (09022015). Collection method: clinical testing. Allele origin: germline.
Comment: This sequence change replaces proline, which is neutral and non-polar, with threonine, which is neutral and polar, at codon 1163 of the HCN4 protein (p.Pro1163Thr). This variant is present in population databases (rs779811451, gnomAD 0.02%). This variant has not been reported in the literature in individuals affected with HCN4-related conditions. ClinVar contains an entry for this variant (Variation ID: 519345). Invitae Evidence Modeling of protein sequence and biophysical properties (such as structural, functional, and spatial information, amino acid conservation, physicochemical variation, residue mobility, and thermodynamic stability) indicates that this missense variant is not expected to disrupt HCN4 protein function with a negative predictive value of 95%. In summary, the available evidence is currently insufficient to determine the role of this variant in disease. Therefore, it has been classified as a Variant of Uncertain Significance.

Ambry Genetics
Classification: Uncertain significance for Cardiovascular phenotype. Last evaluated: 2024-05-30. Review status: criteria provided, single submitter. Criteria: Ambry Variant Classification Scheme 2023. Collection method: clinical testing. Allele origin: germline.
Comment: The p.P1163T variant (also known as c.3487C>A), located in coding exon 8 of the HCN4 gene, results from a C to A substitution at nucleotide position 3487. The proline at codon 1163 is replaced by threonine, an amino acid with highly similar properties. This variant has not been reported in the literature to date; however, internal structural analysis suggests this variant is more disruptive than another alteration involving the same amino acid, p.P1163A (c.3487C>G). This amino acid position is not well conserved in available vertebrate species. In addition, the in silico prediction for this alteration is inconclusive. Since supporting evidence is limited at this time, the clinical significance of this alteration remains unclear.

GeneDx
Classification: Uncertain significance. Last evaluated: 2022-09-19. Review status: criteria provided, single submitter. Criteria: GeneDx Variant Classification Process June 2021. Collection method: clinical testing. Allele origin: germline. Affected: yes.
Comment: Has not been previously published as pathogenic or benign to our knowledge; Not observed at significant frequency in large population cohorts (gnomAD); In silico analysis supports that this missense variant does not alter protein structure/function

Literature cited by the submitters: PubMed 28686619 (cited by Ambry Genetics).